The following is an entry in ClinVar:

NM_001204.7(BMPR2):c.1004A>C (p.Asn335Thr)

Gene: BMPR2 (bone morphogenetic protein receptor type 2; plus strand). Cytogenetic location: 2q33.2.
Variant type: single nucleotide variant.
Coding change: c.1004A>C on transcript NM_001204.7 (MANE Select); coding-DNA position 1004, A replaced by C.
Protein change: p.Asn335Thr; replaces asparagine 335 with threonine.
Molecular consequence: missense variant.
Genome position (GRCh38, 1-based): chr2:202,530,830, A>C. VCF-style: chr2-202530830-A-C. GRCh37 (hg19) VCF-style: chr2-203395553-A-C.
Other names: short protein forms N335T.
Identifiers: ClinVar variation 3992193 (VCV003992193.1).
Genomic context (GRCh38, chr2:202,530,830, plus strand): 5'-AAATATTTGAAATTATCCAAACAGATCATTATAAACCTGCAATTTCCCATCGAGATTTAA[A>C]CAGCAGAAATGTCCTAGTGAAAAATGATGGAACCTGTGTTATTAGTGACTTTGGACTGTC-3'
Protein context (NP_001195.2, residues 325-345): YKPAISHRDL[Asn335Thr]SRNVLVKNDG

ClinVar aggregate classification (germline): Uncertain significance (1 of 4 stars; one submission).

Conditions:
Inborn genetic diseases. Identifiers: MedGen C0950123, MeSH D030342.

Submission:

Ambry Genetics
Classification: Uncertain significance for Inborn genetic diseases. Last evaluated: 2025-05-21. Review status: criteria provided, single submitter. Criteria: Ambry Variant Classification Scheme 2023. Collection method: clinical testing. Allele origin: germline.
Comment: The p.N335T variant (also known as c.1004A>C), located in coding exon 8 of the BMPR2 gene, results from an A to C substitution at nucleotide position 1004. The asparagine at codon 335 is replaced by threonine, an amino acid with similar properties. This amino acid position is conserved. In addition, the in silico prediction for this alteration is inconclusive. Based on the available evidence, the clinical significance of this variant remains unclear.